The following is an entry in ClinVar:

ClinVar aggregate classification (germline): Likely benign. Review status: criteria provided, multiple submitters, no conflicts (2 of 4 stars). 3 submissions from 3 submitters: Likely benign (3). Last evaluated 2026-01-07.

Conditions:
Intestinal hypomagnesemia 1. Also called: HYPOMAGNESEMIA, INTESTINAL, WITH SECONDARY HYPOCALCEMIA; HYPOMAGNESEMIC TETANY. Identifiers: Orphanet 30924, MedGen C1865974, MONDO:0011176, OMIM 602014.

Allele frequency attached by ClinVar (database versions not stated): gnomAD exomes 0.00008 and 0.00015; ExAC 0.00020; TOPMed 0.00031; gnomAD 0.00032 and 0.00034; ESP Exome Variant Server 0.00062.
gnomAD v4.1: 165 of 1,611,864 alleles (0.01%); highest among the groups gnomAD compares: Middle Eastern, 0.15%; 1 homozygote.

Submissions (3):

Labcorp Genetics (formerly Invitae), Labcorp
Classification: Likely benign. Last evaluated: 2026-01-07. Review status: criteria provided, single submitter. Criteria: Invitae Variant Classification Sherloc (09022015). Collection method: clinical testing. Allele origin: germline.

CeGaT Center for Human Genetics Tuebingen
Classification: Likely benign. Last evaluated: 2022-08-01. Review status: criteria provided, single submitter. Criteria: CeGaT Center For Human Genetics Tuebingen Variant Classification Criteria Version 2. Collection method: clinical testing. Allele origin: germline. Affected: yes. Observed: 1 variant allele.
Comment: TRPM6: BP4, BP7

Fulgent Genetics
Classification: Likely benign for Intestinal hypomagnesemia 1. Last evaluated: 2022-03-09. Review status: criteria provided, single submitter. Criteria: ACMG Guidelines, 2015. Collection method: clinical testing. Allele origin: unknown.

NM_017662.5(TRPM6):c.5481C>T (p.Cys1827=)

Gene: TRPM6 (transient receptor potential cation channel subfamily M member 6; minus strand). Cytogenetic location: 9q21.13.
Variant type: single nucleotide variant.
Coding change: c.5481C>T on transcript NM_017662.5 (MANE Select); coding-DNA position 5481, C replaced by T.
Protein change: p.Cys1827=; no amino-acid change (cysteine 1827 retained).
Molecular consequence: synonymous variant.
Genome position (GRCh38, 1-based): chr9:74,739,729, G>A on the plus strand (C>T on the coding strand, the complement: TRPM6 is on the minus strand). VCF-style: chr9-74739729-G-A. GRCh37 (hg19) VCF-style: chr9-77354645-G-A.
Other names: c.5466C>T, p.Cys1822= (NM_001177310.2, NM_001177311.2).
Identifiers: ClinVar variation 727317 (VCV000727317.32), dbSNP rs150963618, ClinGen allele CA5083804.